The following is an entry in ClinVar:

NC_000009.11:g.(?_140125385)_(140131007_?)del

Gene: SLC34A3 (solute carrier family 34 member 3; plus strand). Cytogenetic location: 9q34.3.
Variant type: Deletion.
Identifiers: ClinVar variation 4074275 (VCV004074275.1).

ClinVar aggregate classification (germline): Pathogenic (1 of 4 stars; one submission).

Conditions:
Autosomal recessive hypophosphatemic bone disease (HHRH). Also called: HYPERCALCIURIC RICKETS; Hypophosphatemic rickets with hypercalciuria. Identifiers: Orphanet 157215, MedGen C1853271, MONDO:0009431, OMIM 241530.

Submission:

Rare Kidney Stone Consortium and the Mayo Clinic Hyperoxaluria Center, Mayo Clinic
Classification: Pathogenic for Autosomal recessive hypophosphatemic bone disease. Last evaluated: 2025-05-01. Review status: criteria provided, single submitter. Criteria: ACMG Guidelines, 2015. Collection method: research. Allele origin: germline. Affected: yes.
Comment: ACMG: PVS1, PM2, PM3, PP4

Literature cited by the submitters: PubMed 34805638.